The following is an entry in ClinVar:

ClinVar aggregate classification (germline): Uncertain significance (1 of 4 stars; one submission).

Allele frequency attached by ClinVar (database versions not stated): gnomAD exomes below 0.00001.
gnomAD v4.1: 1 of 1,614,188 alleles (0.000062%); highest among the groups gnomAD compares: Non-Finnish European, 0.000085%; no homozygotes.

Submission:

Labcorp Genetics (formerly Invitae), Labcorp
Classification: Uncertain significance. Last evaluated: 2022-03-11. Review status: criteria provided, single submitter. Criteria: Invitae Variant Classification Sherloc (09022015). Collection method: clinical testing. Allele origin: germline.
Comment: In summary, the available evidence is currently insufficient to determine the role of this variant in disease. Therefore, it has been classified as a Variant of Uncertain Significance. Advanced modeling of protein sequence and biophysical properties (such as structural, functional, and spatial information, amino acid conservation, physicochemical variation, residue mobility, and thermodynamic stability) performed at Invitae indicates that this missense variant is expected to disrupt LRP2 protein function. This variant has not been reported in the literature in individuals affected with LRP2-related conditions. This variant is not present in population databases (gnomAD no frequency). This sequence change replaces isoleucine, which is neutral and non-polar, with threonine, which is neutral and polar, at codon 4236 of the LRP2 protein (p.Ile4236Thr).

NM_004525.3(LRP2):c.12707T>C (p.Ile4236Thr)

Gene: LRP2 (LDL receptor related protein 2; minus strand). Cytogenetic location: 2q31.1.
Variant type: single nucleotide variant.
Coding change: c.12707T>C on transcript NM_004525.3 (MANE Select); coding-DNA position 12707, T replaced by C.
Protein change: p.Ile4236Thr; replaces isoleucine 4236 with threonine.
Molecular consequence: missense variant.
Genome position (GRCh38, 1-based): chr2:169,146,843, A>G on the plus strand (T>C on the coding strand, the complement: LRP2 is on the minus strand). VCF-style: chr2-169146843-A-G. GRCh37 (hg19) VCF-style: chr2-170003353-A-G.
Other names: short protein forms I4236T.
Identifiers: ClinVar variation 2109243 (VCV002109243.4), dbSNP rs2545663475, ClinGen allele CA349129924.